The following is an entry in ClinVar:

ClinVar aggregate classification (germline): Conflicting classifications of pathogenicity. Review status: criteria provided, conflicting classifications (1 of 4 stars). 14 submissions from 13 submitters: Likely pathogenic (1); Uncertain significance (10). 3 of the submissions do not count toward it. Last evaluated 2026-07-14.

Conditions:
CDH23-related disorder. Also called: CDH23-related condition; CDH23-related disorders.
Usher syndrome type 1 (USH1). Also called: RETINITIS PIGMENTOSA AND CONGENITAL DEAFNESS. Identifiers: Orphanet 231169, Orphanet 886, MedGen C1568247, MONDO:0010168, OMIM 276900.
Usher syndrome type 1D (USH1D). Also called: USHER SYNDROME, TYPE ID. Identifiers: Orphanet 231169, Orphanet 886, MedGen C1832845, MONDO:0010984, OMIM 601067.
Autosomal recessive nonsyndromic hearing loss 12. Also called: DEAFNESS, AUTOSOMAL RECESSIVE 12. Identifiers: Orphanet 90636, MedGen C1832394, MONDO:0011067, OMIM 601386.
Hearing impairment. Also called: Impaired Hearing. Identifiers: MedGen C1384666, MONDO:0005365, HP:0000365.
Intellectual disability. Also called: Intellectual functioning disability; intellectual disabilities; Intellectual developmental disorder. Identifiers: MedGen C3714756, MeSH D008607, MONDO:0001071, HP:0001249.

Allele frequency attached by ClinVar (database versions not stated): 1000 Genomes Project 30x 0.00016; TOPMed 0.00028; gnomAD 0.00037 and 0.00039; gnomAD exomes 0.00039; ESP Exome Variant Server 0.00040; ExAC 0.00048.
gnomAD v4.1: 943 of 1,613,678 alleles (0.058%); highest among the groups gnomAD compares: Non-Finnish European, 0.076%; 1 homozygote.

Submissions (14):

PreventionGenetics, part of Exact Sciences
Classification: Uncertain significance for CDH23-related condition. Last evaluated: 2026-07-14. Review status: criteria provided, single submitter. Criteria: ACMG Guidelines, 2015. Collection method: clinical testing. Allele origin: germline.
Comment: The CDH23 c.8311G>A variant is predicted to result in the amino acid substitution p.Gly2771Ser. This variant was reported in an individual with suspected Usher syndrome; however, a second potentially causative variant was not identified (Oshima et al. 2008. PubMed ID: 18429043). This variant was also reported in large cohorts of individuals with deafness (supplementary data, Azaiez et al. 2018. PubMed ID: 30245029; Quaio et al. 2022. PubMed ID: 36147510) and in a large cohort of individuals with posterior segment uveitis (supplementary data, Li et al. 2020. PubMed ID: 32707200). This variant is reported in 0.072% of alleles in individuals of European (Non-Finnish) descent in gnomAD, including one homozygote, which may be too frequent to be a primary cause of disease. At this time, the clinical significance of this variant is uncertain due to the absence of conclusive functional and genetic evidence.

CeGaT Center for Human Genetics Tuebingen
Classification: Uncertain significance. Last evaluated: 2025-02-01. Review status: criteria provided, single submitter. Criteria: CeGaT Center For Human Genetics Tuebingen Variant Classification Criteria Version 2. Collection method: clinical testing. Allele origin: germline. Affected: yes. Observed: 1 variant allele.

Blueprint Genetics
Classification: Uncertain significance. Last evaluated: 2024-10-23. Review status: criteria provided, single submitter. Criteria: ACMG Guidelines, 2015. Collection method: clinical testing. Allele origin: germline.

GeneDx
Classification: Uncertain significance. Last evaluated: 2024-04-08. Review status: criteria provided, single submitter. Criteria: GeneDx Variant Classification Process June 2021. Collection method: clinical testing. Allele origin: germline. Affected: yes.
Comment: Observed in the heterozygous state in an individual with Usher syndrome without a second variant identified in published literature (PMID: 18429043); In silico analysis supports that this missense variant has a deleterious effect on protein structure/function; In silico analysis suggests this variant may impact gene splicing. In the absence of RNA/functional studies, the actual effect of this sequence change is unknown.; This variant is associated with the following publications: (PMID: 18429043, 30245029, 32707200, 36147510)

Labcorp Genetics (formerly Invitae), Labcorp
Classification: Uncertain significance. Last evaluated: 2022-08-22. Review status: criteria provided, single submitter. Criteria: Invitae Variant Classification Sherloc (09022015). Collection method: clinical testing. Allele origin: germline.
Comment: This sequence change replaces glycine, which is neutral and non-polar, with serine, which is neutral and polar, at codon 2771 of the CDH23 protein (p.Gly2771Ser). This variant is present in population databases (rs201076440, gnomAD 0.07%). This missense change has been observed in individual(s) with Usher syndrome (PMID: 18429043). ClinVar contains an entry for this variant (Variation ID: 177767). Algorithms developed to predict the effect of missense changes on protein structure and function are either unavailable or do not agree on the potential impact of this missense change (SIFT: "Deleterious"; PolyPhen-2: "Not Available"; Align-GVGD: "Class C0"). Algorithms developed to predict the effect of sequence changes on RNA splicing suggest that this variant may create or strengthen a splice site. In summary, the available evidence is currently insufficient to determine the role of this variant in disease. Therefore, it has been classified as a Variant of Uncertain Significance.

Clinical Genetics Laboratory, Skane University Hospital Lund
Classification: Uncertain significance. Last evaluated: 2022-05-27. Review status: criteria provided, single submitter. Criteria: ACMG Guidelines, 2015. Collection method: clinical testing. Allele origin: germline. Affected: yes.

Department of Otolaryngology – Head & Neck Surgery, Cochlear Implant Center
Classification: Likely pathogenic for Hearing impairment. Last evaluated: 2021-04-12. Review status: criteria provided, single submitter. Criteria: ClinGen HL ACMG Specifications v1. Collection method: clinical testing. Allele origin: germline. Affected: yes.
Comment: PS1_Strong, PM2_Supporting, PP3_Supporting, BS2_Supporting

Cambridge Genomics Laboratory, East Genomic Laboratory Hub, NHS Genomic Medicine Service
Classification: Uncertain significance for Intellectual disability. Last evaluated: 2020-07-13. Review status: criteria provided, single submitter. Criteria: ACGS Best Practice Guidelines for Variant Classification in Rare Disease 2020. Collection method: clinical testing. Allele origin: germline. Affected: yes. Observed: 1 variant allele.

Illumina Laboratory Services, Illumina
Classification: Uncertain significance for Usher syndrome type 1D. Last evaluated: 2017-04-28. Review status: criteria provided, single submitter. Criteria: ICSL Variant Classification Criteria 13 December 2019. Collection method: clinical testing. Allele origin: germline.
Comment: This variant was observed as part of a predisposition screen in an ostensibly healthy population. A literature search was performed for the gene, cDNA change, and amino acid change (where applicable). Publications were found based on this search. However, the evidence from the literature, in combination with allele frequency data from public databases where available, was not sufficient to rule this variant in or out of causing disease. Therefore, this variant is classified as a variant of unknown significance.

Illumina Laboratory Services, Illumina
Classification: Uncertain significance for Autosomal recessive nonsyndromic hearing loss 12. Last evaluated: 2017-04-28. Review status: criteria provided, single submitter. Criteria: ICSL Variant Classification Criteria 13 December 2019. Collection method: clinical testing. Allele origin: germline.
Comment: the same text as in the submission from Illumina Laboratory Services, Illumina above.

Laboratory for Molecular Medicine, Mass General Brigham Personalized Medicine
Classification: Uncertain significance. Last evaluated: 2013-12-26. Review status: criteria provided, single submitter. Criteria: LMM Criteria. Collection method: clinical testing. Allele origin: germline. Observed: 1 variant allele.
Comment: The Gly2771Ser variant in CDH23 has been previously reported in the heterozygous state in one individual with Usher syndrome; however, a second variant in CDH23 was not identified (Oshima 2008). This variant has been identified in 0.06% (5/ 8412) of European American chromosomes by the NHLBI Exome Sequencing Project (dbSNP rs201076440); however, this frequency is not high enough to rule out a pathogenic role. Computational analyses (biochemic al amino acid properties, conservation, AlignGVGD, PolyPhen2, and SIFT) do not p rovide strong support for or against an impact to the protein. In summary, addit ional data is needed to determine the clinical significance of this variant.

Natera, Inc.
Classification: Uncertain significance for Usher syndrome type 1. Last evaluated: 2020-09-16. Review status: no assertion criteria provided. Collection method: clinical testing. Allele origin: germline. Not counted in ClinVar's aggregate classification.

Clinical Genetics DNA and cytogenetics Diagnostics Lab, Erasmus MC, Erasmus Medical Center
Classification: Uncertain significance. Review status: no assertion criteria provided. Collection method: clinical testing. Allele origin: germline. Affected: yes. Study: VKGL Data-share Consensus. Not counted in ClinVar's aggregate classification.

Joint Genome Diagnostic Labs from Nijmegen and Maastricht, Radboudumc and MUMC+
Classification: Uncertain significance. Review status: no assertion criteria provided. Collection method: clinical testing. Allele origin: germline. Affected: yes. Study: VKGL Data-share Consensus. Not counted in ClinVar's aggregate classification.

Literature cited by the submitters: PubMed 18429043 (cited by 4 submitters).

NM_022124.6(CDH23):c.8311G>A (p.Gly2771Ser)

Gene: CDH23 (cadherin related 23; plus strand). Cytogenetic location: 10q22.1.
Variant type: single nucleotide variant.
Coding change: c.8311G>A on transcript NM_022124.6 (MANE Select); coding-DNA position 8311, G replaced by A.
Protein change: p.Gly2771Ser; replaces glycine 2771 with serine.
Molecular consequence: missense variant.
Genome position (GRCh38, 1-based): chr10:71,807,518, G>A. VCF-style: chr10-71807518-G-A. GRCh37 (hg19) VCF-style: chr10-73567275-G-A.
Other names: c.1591G>A, p.Gly531Ser (NM_001171933.1, NM_001171934.1); short protein forms G2771S, G531S.
Identifiers: ClinVar variation 177767 (VCV000177767.36), dbSNP rs201076440, ClinGen allele CA180727.
Genomic context (GRCh38, chr10:71,807,518, plus strand): 5'-CACATATGCCCTGCTCCTGGCCCTGCCCCCTCACCCTGTGCCATGATCCCACCCTCAGCC[G>A]GCAACGAAGAGAAGAACTTCCATCTGCAGCCCGATGGGTGTCTGCTGGTGCTGCGGGACC-3'
Protein context (NP_071407.4, residues 2761-2781): NAIVYYFIAA[Gly2771Ser]NEEKNFHLQP